The following is an entry in ClinVar:

ClinVar aggregate classification (germline): Likely pathogenic (1 of 4 stars; one submission).

Submission:

Labcorp Genetics (formerly Invitae), Labcorp
Classification: Likely pathogenic. Last evaluated: 2021-06-30. Review status: criteria provided, single submitter. Criteria: Invitae Variant Classification Sherloc (09022015). Collection method: clinical testing. Allele origin: germline.
Comment: This sequence change affects a splice site in intron 57 of the COL27A1 gene. It is expected to disrupt RNA splicing. Variants that disrupt the donor or acceptor splice site typically lead to a loss of protein function (PMID: 16199547), and loss-of-function variants in COL27A1 are known to be pathogenic (PMID: 24986830, 28276056). This variant is not present in population databases (ExAC no frequency). This variant has not been reported in the literature in individuals affected with COL27A1-related conditions. Algorithms developed to predict the effect of sequence changes on RNA splicing suggest that this variant may disrupt the consensus splice site. In summary, the currently available evidence indicates that the variant is pathogenic, but additional data are needed to prove that conclusively. Therefore, this variant has been classified as Likely Pathogenic.

Literature cited by the submitters: PubMed 16199547; PubMed 24986830; PubMed 28276056.

NM_032888.4(COL27A1):c.4938+2_4938+15del

Gene: COL27A1 (collagen type XXVII alpha 1 chain; plus strand). Cytogenetic location: 9q32.
Variant type: Deletion.
Coding change: c.4938+2_4938+15del on transcript NM_032888.4 (MANE Select); the canonical splice donor site of the intron after coding-DNA position 4938 through 15 bases into the intron after coding-DNA position 4938, 14 bases deleted (TATCTCCAGGGGCT).
Molecular consequence: splice donor variant.
Genome position (GRCh38, 1-based): chr9:114,304,675-114,304,688, TATCTCCAGGGGCT deleted. VCF-style (leftmost placement, unchanged base first): chr9-114304674-GTATCTCCAGGGGCT-G. GRCh37 (hg19) VCF-style: chr9-117066954-GTATCTCCAGGGGCT-G.
Identifiers: ClinVar variation 1473071 (VCV001473071.6), dbSNP rs2131678418, ClinGen allele CA2573143830.